The following is an entry in ClinVar:

ClinVar aggregate classification (germline): Uncertain significance (1 of 4 stars; one submission).

Submission:

Labcorp Genetics (formerly Invitae), Labcorp
Classification: Uncertain significance. Last evaluated: 2022-02-18. Review status: criteria provided, single submitter. Criteria: Invitae Variant Classification Sherloc (09022015). Collection method: clinical testing. Allele origin: germline.
Comment: Algorithms developed to predict the effect of missense changes on protein structure and function are either unavailable or do not agree on the potential impact of this missense change (SIFT: "Not Available"; PolyPhen-2: "Benign"; Align-GVGD: "Not Available"). This sequence change replaces alanine, which is neutral and non-polar, with leucine, which is neutral and non-polar, at codon 1883 of the MYH3 protein (p.Ala1883Leu). The frequency data for this variant in the population databases is considered unreliable, as metrics indicate poor data quality at this position in the gnomAD database. This variant has not been reported in the literature in individuals affected with MYH3-related conditions. In summary, the available evidence is currently insufficient to determine the role of this variant in disease. Therefore, it has been classified as a Variant of Uncertain Significance.

NM_002470.4(MYH3):c.5647_5648delinsTT (p.Ala1883Leu)

Gene: MYH3 (myosin heavy chain 3; minus strand). Cytogenetic location: 17p13.1.
Variant type: Indel.
Coding change: c.5647_5648delinsTT on transcript NM_002470.4 (MANE Select); coding-DNA positions 5647 to 5648, GC replaced by TT.
Protein change: p.Ala1883Leu; replaces alanine 1883 with leucine.
Molecular consequence: missense variant.
Genome position (GRCh38, 1-based): chr17:10,629,852-10,629,853, GC replaced by AA on the plus strand (GC replaced by TT on the coding strand, the reverse complement: MYH3 is on the minus strand). VCF-style: chr17-10629852-GC-AA. GRCh37 (hg19) VCF-style: chr17-10533169-GC-AA.
Other names: short protein forms A1883L.
Identifiers: ClinVar variation 1987300 (VCV001987300.4), dbSNP rs2508560248, ClinGen allele CA2580092501.